The following is an entry in ClinVar:

ClinVar aggregate classification (germline): Uncertain significance. Review status: criteria provided, multiple submitters, no conflicts (2 of 4 stars). 4 submissions from 4 submitters: Uncertain significance (4). Last evaluated 2024-10-22.

Conditions:
Oculocutaneous albinism type 4 (OCA4). Also called: Albinism, oculocutaneous, type IV. Identifiers: Orphanet 79435, MedGen C1847836, MONDO:0011683, OMIM 606574.
SKIN/HAIR/EYE PIGMENTATION 5, BLACK/NONBLACK HAIR (SHEP5). Also called: SKIN/HAIR/EYE PIGMENTATION 5, DARK/FAIR SKIN; SKIN/HAIR/EYE PIGMENTATION 5, DARK/LIGHT EYES; SKIN/HAIR/EYE PIGMENTATION, VARIATION IN, 5. Identifiers: MedGen C2673584, OMIM 227240.

Allele frequency attached by ClinVar (database versions not stated): gnomAD 0.00001 and 0.00003; TOPMed 0.00001; gnomAD exomes 0.00002; ESP Exome Variant Server 0.00008; ExAC 0.00002.
gnomAD v4.1: 29 of 1,614,016 alleles (0.0018%); highest among the groups gnomAD compares: South Asian, 0.0033%; no homozygotes.

Submissions (4):

Labcorp Genetics (formerly Invitae), Labcorp
Classification: Uncertain significance. Last evaluated: 2024-10-22. Review status: criteria provided, single submitter. Criteria: Invitae Variant Classification Sherloc (09022015). Collection method: clinical testing. Allele origin: germline.
Comment: This sequence change replaces arginine, which is basic and polar, with cysteine, which is neutral and slightly polar, at codon 348 of the SLC45A2 protein (p.Arg348Cys). This variant is present in population databases (rs372465070, gnomAD 0.006%). This missense change has been observed in individual(s) with oculocutaneous albinism (PMID: 17768386). ClinVar contains an entry for this variant (Variation ID: 904628). Invitae Evidence Modeling of protein sequence and biophysical properties (such as structural, functional, and spatial information, amino acid conservation, physicochemical variation, residue mobility, and thermodynamic stability) indicates that this missense variant is not expected to disrupt SLC45A2 protein function with a negative predictive value of 80%. In summary, the available evidence is currently insufficient to determine the role of this variant in disease. Therefore, it has been classified as a Variant of Uncertain Significance.

Blueprint Genetics
Classification: Uncertain significance. Last evaluated: 2022-07-20. Review status: criteria provided, single submitter. Criteria: ACMG Guidelines, 2015. Collection method: clinical testing. Allele origin: germline.

Fulgent Genetics
Classification: Uncertain significance for SKIN/HAIR/EYE PIGMENTATION 5, BLACK/NONBLACK HAIR; Oculocutaneous albinism type 4. Last evaluated: 2022-03-02. Review status: criteria provided, single submitter. Criteria: ACMG Guidelines, 2015. Collection method: clinical testing. Allele origin: unknown.

Illumina Laboratory Services, Illumina
Classification: Uncertain significance for Oculocutaneous albinism type 4. Last evaluated: 2017-04-27. Review status: criteria provided, single submitter. Criteria: ICSL Variant Classification Criteria 13 December 2019. Collection method: clinical testing. Allele origin: germline.

Literature cited by the submitters: PubMed 17768386 (cited by Labcorp Genetics (formerly Invitae), Labcorp).

NM_016180.5(SLC45A2):c.1042C>T (p.Arg348Cys)

Gene: SLC45A2 (solute carrier family 45 member 2; minus strand). Cytogenetic location: 5p13.2.
Variant type: single nucleotide variant.
Coding change: c.1042C>T on transcript NM_016180.5 (MANE Select); coding-DNA position 1042, C replaced by T.
Protein change: p.Arg348Cys; replaces arginine 348 with cysteine.
Molecular consequence: missense variant.
Genome position (GRCh38, 1-based): chr5:33,951,668, G>A on the plus strand (C>T on the coding strand, the complement: SLC45A2 is on the minus strand). VCF-style: chr5-33951668-G-A. GRCh37 (hg19) VCF-style: chr5-33951773-G-A.
Other names: c.1042C>T, p.Arg348Cys (NM_001012509.4); c.716C>T, p.Pro239Leu (NM_001297417.4); short protein forms P239L, R348C.
Identifiers: ClinVar variation 904628 (VCV000904628.9), dbSNP rs372465070, ClinGen allele CA3225599.